The following is an entry in ClinVar:

NM_001142800.2(EYS):c.1349A>C (p.Asn450Thr)

Gene: EYS (EGF-like photoreceptor maintenance factor; minus strand). Cytogenetic location: 6q12.
Variant type: single nucleotide variant.
Coding change: c.1349A>C on transcript NM_001142800.2 (MANE Select); coding-DNA position 1349, A replaced by C.
Protein change: p.Asn450Thr; replaces asparagine 450 with threonine.
Molecular consequence: missense variant.
Genome position (GRCh38, 1-based): chr6:65,353,568, T>G on the plus strand (A>C on the coding strand, the complement: EYS is on the minus strand). VCF-style: chr6-65353568-T-G. GRCh37 (hg19) VCF-style: chr6-66063461-T-G.
Other names: c.1349A>C, p.Asn450Thr (NM_001142801.2, NM_001292009.2, NM_198283.2); short protein forms N450T.
Identifiers: ClinVar variation 854605 (VCV000854605.31), dbSNP rs138255012, ClinGen allele CA3877776.

ClinVar aggregate classification (germline): Conflicting classifications of pathogenicity. Review status: criteria provided, conflicting classifications (1 of 4 stars). 6 submissions from 6 submitters: Uncertain significance (4); Likely benign (1). 1 of the submissions does not count toward it. Last evaluated 2024-01-12.

Conditions:
Retinitis pigmentosa 25 (RP25). Identifiers: Orphanet 791, MedGen C1864446, MONDO:0011272, OMIM 602772.
Retinitis pigmentosa (RP). Identifiers: Orphanet 791, MedGen C0035334, MeSH D012174, MONDO:0019200, OMIM 268000. Inheritance: Autosomal dominant, autosomal recessive and X linked inheritance.

Allele frequency attached by ClinVar (database versions not stated): ExAC 0.00001; gnomAD exomes 0.00001 and 0.00002; ESP Exome Variant Server 0.00008; gnomAD 0.00010 and 0.00011; TOPMed 0.00017.
gnomAD v4.1: 40 of 1,613,100 alleles (0.0025%); highest among the groups gnomAD compares: Admixed American, 0.03%; no homozygotes.

Submissions (6):

Women's Health and Genetics/Laboratory Corporation of America, LabCorp
Classification: Uncertain significance. Last evaluated: 2024-01-12. Review status: criteria provided, single submitter. Criteria: LabCorp Variant Classification Summary - May 2015. Collection method: clinical testing. Allele origin: germline.
Comment: Variant summary: EYS c.1349A>C (p.Asn450Thr) results in a non-conservative amino acid change in the encoded protein sequence. Three of five in-silico tools predict a damaging effect of the variant on protein function. The variant allele was found at a frequency of 1.6e-05 in 250828 control chromosomes. The available data on variant occurrences in the general population are insufficient to allow any conclusion about variant significance. c.1349A>C has been reported in the literature in individuals affected with retinal dystrophy. These report(s) do not provide unequivocal conclusions about association of the variant with Retinitis Pigmentosa. To our knowledge, no experimental evidence demonstrating an impact on protein function has been reported. The following publication have been ascertained in the context of this evaluation (PMID: 29159838). ClinVar contains an entry for this variant (Variation ID: 854605). Based on the evidence outlined above, the variant was classified as uncertain significance.

Blueprint Genetics
Classification: Uncertain significance. Last evaluated: 2023-04-17. Review status: criteria provided, single submitter. Criteria: ACMG Guidelines, 2015. Collection method: clinical testing. Allele origin: germline.

CeGaT Center for Human Genetics Tuebingen
Classification: Likely benign. Last evaluated: 2022-07-01. Review status: criteria provided, single submitter. Criteria: CeGaT Center For Human Genetics Tuebingen Variant Classification Criteria Version 2. Collection method: clinical testing. Allele origin: germline. Affected: yes. Observed: 1 variant allele.
Comment: EYS: BP4

Labcorp Genetics (formerly Invitae), Labcorp
Classification: Uncertain significance. Last evaluated: 2022-06-27. Review status: criteria provided, single submitter. Criteria: Invitae Variant Classification Sherloc (09022015). Collection method: clinical testing. Allele origin: germline.
Comment: This sequence change replaces asparagine, which is neutral and polar, with threonine, which is neutral and polar, at codon 450 of the EYS protein (p.Asn450Thr). This variant is present in population databases (rs138255012, gnomAD 0.003%). This missense change has been observed in individual(s) with retinitis pigmentosa (PMID: 29159838). ClinVar contains an entry for this variant (Variation ID: 854605). Algorithms developed to predict the effect of missense changes on protein structure and function are either unavailable or do not agree on the potential impact of this missense change (SIFT: "Tolerated"; PolyPhen-2: "Possibly Damaging"; Align-GVGD: "Class C25"). In summary, the available evidence is currently insufficient to determine the role of this variant in disease. Therefore, it has been classified as a Variant of Uncertain Significance.

3billion
Classification: Uncertain significance for Retinitis pigmentosa 25. Last evaluated: 2022-01-03. Review status: criteria provided, single submitter. Criteria: ACMG Guidelines, 2015. Collection method: clinical testing. Allele origin: germline. Affected: yes. Observed: 1 heterozygote.
Comment: The variant observed at an extremely low frequency in the gnomAD v2.1.1 dataset (total allele frequency: 0.000018, PM2_M). Therefore, this variant is classified as uncertain significance according to the recommendation of ACMG/AMP guideline.

Natera, Inc.
Classification: Uncertain significance for Retinitis pigmentosa. Last evaluated: 2020-09-16. Review status: no assertion criteria provided. Collection method: clinical testing. Allele origin: germline. Not counted in ClinVar's aggregate classification.

Literature cited by the submitters: PubMed 29159838 (cited by Women's Health and Genetics/Laboratory Corporation of America, LabCorp and Labcorp Genetics (formerly Invitae), Labcorp).